The following is an entry in ClinVar:

ClinVar aggregate classification (germline): Uncertain significance. Review status: criteria provided, multiple submitters, no conflicts (2 of 4 stars). 2 submissions from 2 submitters: Uncertain significance (2). Last evaluated 2024-06-12.

Submissions (2):

Ambry Genetics
Classification: Uncertain significance. Last evaluated: 2024-06-12. Review status: criteria provided, single submitter. Criteria: Ambry Variant Classification Scheme 2023. Collection method: clinical testing. Allele origin: germline.
Comment: The p.A511T variant (also known as c.1531G>A), located in coding exon 9 of the GALNT12 gene, results from a G to A substitution at nucleotide position 1531. The alanine at codon 511 is replaced by threonine, an amino acid with similar properties. This amino acid position is conserved. In addition, this alteration is predicted to be tolerated by in silico analysis. Based on the available evidence, the clinical significance of this variant remains unclear.

Labcorp Genetics (formerly Invitae), Labcorp
Classification: Uncertain significance. Last evaluated: 2023-08-04. Review status: criteria provided, single submitter. Criteria: Invitae Variant Classification Sherloc (09022015). Collection method: clinical testing. Allele origin: germline.
Comment: In summary, the available evidence is currently insufficient to determine the role of this variant in disease. Therefore, it has been classified as a Variant of Uncertain Significance. This sequence change replaces alanine, which is neutral and non-polar, with threonine, which is neutral and polar, at codon 511 of the GALNT12 protein (p.Ala511Thr). This variant is not present in population databases (gnomAD no frequency). This variant has not been reported in the literature in individuals affected with GALNT12-related conditions. Advanced modeling of protein sequence and biophysical properties (such as structural, functional, and spatial information, amino acid conservation, physicochemical variation, residue mobility, and thermodynamic stability) performed at Invitae indicates that this missense variant is not expected to disrupt GALNT12 protein function.

NM_024642.5(GALNT12):c.1531G>A (p.Ala511Thr)

Gene: GALNT12 (polypeptide N-acetylgalactosaminyltransferase 12; plus strand). Cytogenetic location: 9q22.33.
Variant type: single nucleotide variant.
Coding change: c.1531G>A on transcript NM_024642.5 (MANE Select); coding-DNA position 1531, G replaced by A.
Protein change: p.Ala511Thr; replaces alanine 511 with threonine.
Molecular consequence: missense variant.
Genome position (GRCh38, 1-based): chr9:98,846,049, G>A. VCF-style: chr9-98846049-G-A. GRCh37 (hg19) VCF-style: chr9-101608331-G-A.
Other names: c.1531G>A (NM_024642.4); short protein forms A511T.
Identifiers: ClinVar variation 2750220 (VCV002750220.4), dbSNP rs2490557635, ClinGen allele CA374221745.